The following is an entry in ClinVar:

ClinVar aggregate classification (germline): Uncertain significance (1 of 4 stars; one submission).

Conditions:
Mendelian susceptibility to mycobacterial diseases due to complete IL12RB1 deficiency. Also called: IL12RB1 DEFICIENCY; Immunodeficiency 30. Identifiers: Orphanet 319552, MedGen C4013949, MONDO:0013955, OMIM 614891.

gnomAD v4.1: 2 of 1,612,346 alleles (0.00012%); highest among the groups gnomAD compares: African/African-American, 0.0013%; no homozygotes.

Submission:

Labcorp Genetics (formerly Invitae), Labcorp
Classification: Uncertain significance for Mendelian susceptibility to mycobacterial diseases due to complete IL12RB1 deficiency. Last evaluated: 2025-02-17. Review status: criteria provided, single submitter. Criteria: Invitae Variant Classification Sherloc (09022015). Collection method: clinical testing. Allele origin: germline.
Comment: This sequence change replaces threonine, which is neutral and polar, with serine, which is neutral and polar, at codon 382 of the IL12RB1 protein (p.Thr382Ser). This variant is not present in population databases (gnomAD no frequency). This variant has not been reported in the literature in individuals affected with IL12RB1-related conditions. ClinVar contains an entry for this variant (Variation ID: 1954067). Invitae Evidence Modeling of protein sequence and biophysical properties (such as structural, functional, and spatial information, amino acid conservation, physicochemical variation, residue mobility, and thermodynamic stability) indicates that this missense variant is not expected to disrupt IL12RB1 protein function with a negative predictive value of 80%. In summary, the available evidence is currently insufficient to determine the role of this variant in disease. Therefore, it has been classified as a Variant of Uncertain Significance.

NM_005535.3(IL12RB1):c.1145C>G (p.Thr382Ser)

Gene: IL12RB1 (interleukin 12 receptor subunit beta 1; minus strand). Cytogenetic location: 19p13.11.
Variant type: single nucleotide variant.
Coding change: c.1145C>G on transcript NM_005535.3 (MANE Select); coding-DNA position 1145, C replaced by G.
Protein change: p.Thr382Ser; replaces threonine 382 with serine.
Molecular consequence: missense variant.
Genome position (GRCh38, 1-based): chr19:18,069,590, G>C on the plus strand (C>G on the coding strand, the complement: IL12RB1 is on the minus strand). VCF-style: chr19-18069590-G-C. GRCh37 (hg19) VCF-style: chr19-18180400-G-C.
Other names: c.1145C>G, p.Thr382Ser (NM_001290023.2); c.1265C>G, p.Thr422Ser (NM_001290024.2); short protein forms T382S, T422S.
Identifiers: ClinVar variation 1954067 (VCV001954067.5), dbSNP rs767059104, ClinGen allele CA404778574.